The following is an entry in ClinVar:

NM_017654.4(SAMD9):c.1631T>C (p.Leu544Pro)

Gene: SAMD9 (sterile alpha motif domain containing 9; minus strand). Cytogenetic location: 7q21.2.
Variant type: single nucleotide variant.
Coding change: c.1631T>C on transcript NM_017654.4 (MANE Select); coding-DNA position 1631, T replaced by C.
Protein change: p.Leu544Pro; replaces leucine 544 with proline.
Molecular consequence: missense variant.
Genome position (GRCh38, 1-based): chr7:93,104,467, A>G on the plus strand (T>C on the coding strand, the complement: SAMD9 is on the minus strand). VCF-style: chr7-93104467-A-G. GRCh37 (hg19) VCF-style: chr7-92733780-A-G.
Other names: c.1631T>C (NM_017654.3); c.1631T>C, p.Leu544Pro (NM_001193307.2); short protein forms L544P.
Identifiers: ClinVar variation 2789488 (VCV002789488.4), dbSNP rs1791595561, ClinGen allele CA368195559.
Genomic context (GRCh38, chr7:93,104,467, plus strand): 5'-TAGAAAGCACAGAAAGTCTCAATGAGGGGATCTCTTGGGTCATCCACAGAGGACAGTAAT[A>G]GAAATACCACCAAAAACTTCCCTCTTGGCATTATGTCTTCATGTGTAAGAAATGAAATCA-3'
Protein context (NP_060124.2, residues 534-554): MPRGKFLVVF[Leu544Pro]LLSSVDDPRD

ClinVar aggregate classification (germline): Uncertain significance. Review status: criteria provided, multiple submitters, no conflicts (2 of 4 stars). 2 submissions from 2 submitters: Uncertain significance (2). Last evaluated 2026-02-24.

Conditions:
Inborn genetic diseases. Identifiers: MedGen C0950123, MeSH D030342.

Submissions (2):

Ambry Genetics
Classification: Uncertain significance for Inborn genetic diseases. Last evaluated: 2026-02-24. Review status: criteria provided, single submitter. Criteria: Ambry Variant Classification Scheme 2023. Collection method: clinical testing. Allele origin: germline.
Comment: The p.L544P variant (also known as c.1631T>C), located in coding exon 1 of the SAMD9 gene, results from a T to C substitution at nucleotide position 1631. The leucine at codon 544 is replaced by proline, an amino acid with similar properties. This amino acid position is conserved. In addition, the in silico prediction for this alteration is inconclusive. Based on the available evidence, the clinical significance of this variant remains unclear.

Labcorp Genetics (formerly Invitae), Labcorp
Classification: Uncertain significance. Last evaluated: 2023-10-17. Review status: criteria provided, single submitter. Criteria: Invitae Variant Classification Sherloc (09022015). Collection method: clinical testing. Allele origin: germline.
Comment: This sequence change replaces leucine, which is neutral and non-polar, with proline, which is neutral and non-polar, at codon 544 of the SAMD9 protein (p.Leu544Pro). This variant is not present in population databases (gnomAD no frequency). This variant has not been reported in the literature in individuals affected with SAMD9-related conditions. Advanced modeling of protein sequence and biophysical properties (such as structural, functional, and spatial information, amino acid conservation, physicochemical variation, residue mobility, and thermodynamic stability) has been performed at Invitae for this missense variant, however the output from this modeling did not meet the statistical confidence thresholds required to predict the impact of this variant on SAMD9 protein function. In summary, the available evidence is currently insufficient to determine the role of this variant in disease. Therefore, it has been classified as a Variant of Uncertain Significance.